The following is an entry in ClinVar:

ClinVar aggregate classification (germline): Pathogenic/Likely pathogenic. Review status: criteria provided, multiple submitters, no conflicts (2 of 4 stars). 2 submissions from 2 submitters: Pathogenic (1); Likely pathogenic (1). Last evaluated 2024-05-02.

Conditions:
ADGRV1-related disorder. Also called: ADGRV1-related condition; ADGRV1-related disorders.

Submissions (2):

Labcorp Genetics (formerly Invitae), Labcorp
Classification: Pathogenic. Last evaluated: 2024-05-02. Review status: criteria provided, single submitter. Criteria: Invitae Variant Classification Sherloc (09022015). Collection method: clinical testing. Allele origin: germline.
Comment: This sequence change creates a premature translational stop signal (p.Ser744Leufs*2) in the ADGRV1 gene. It is expected to result in an absent or disrupted protein product. Loss-of-function variants in ADGRV1 are known to be pathogenic (PMID: 19357117, 22135276, 22147658, 26226137, 30718709, 31047384, 32467589). This variant is not present in population databases (gnomAD no frequency). This variant has not been reported in the literature in individuals affected with ADGRV1-related conditions. For these reasons, this variant has been classified as Pathogenic.

Blueprint Genetics
Classification: Likely pathogenic for ADGRV1-related disorders. Last evaluated: 2022-06-24. Review status: criteria provided, single submitter. Criteria: ACMG Guidelines, 2015. Collection method: clinical testing. Allele origin: germline. Affected: yes. Observed: 1 variant allele.

Literature cited by the submitters: PubMed 19357117 (cited by Labcorp Genetics (formerly Invitae), Labcorp); PubMed 22135276 (cited by Labcorp Genetics (formerly Invitae), Labcorp); PubMed 22147658 (cited by Labcorp Genetics (formerly Invitae), Labcorp); PubMed 26226137 (cited by Labcorp Genetics (formerly Invitae), Labcorp); PubMed 30718709 (cited by Labcorp Genetics (formerly Invitae), Labcorp); PubMed 31047384 (cited by Labcorp Genetics (formerly Invitae), Labcorp); PubMed 32467589 (cited by Labcorp Genetics (formerly Invitae), Labcorp).

NM_032119.4(ADGRV1):c.2230del (p.Ser744fs)

Gene: ADGRV1 (adhesion G protein-coupled receptor V1; plus strand). Cytogenetic location: 5q14.3.
Variant type: Deletion.
Coding change: c.2230del on transcript NM_032119.4 (MANE Select); coding-DNA position 2230, one base deleted (T; older notation c.2230delT).
Protein change: p.Ser744fs; shifts the reading frame from serine 744.
Molecular consequence: frameshift variant. On other transcripts: non-coding transcript variant (1).
Genome position (GRCh38, 1-based): chr5:90,637,938, T deleted; the last of 3 consecutive T bases (chr5:90,637,936-90,637,938); deleting any one gives the same sequence. VCF-style (leftmost placement, unchanged base first): chr5-90637935-CT-C. GRCh37 (hg19) VCF-style: chr5-89933752-CT-C.
Other names: short protein forms S744fs.
Identifiers: ClinVar variation 3691411 (VCV003691411.3).